The following is an entry in ClinVar:

NM_000435.3(NOTCH3):c.4476_4482del (p.Glu1492fs)

Gene: NOTCH3 (notch receptor 3; minus strand). Cytogenetic location: 19p13.12.
Variant type: Deletion.
Coding change: c.4476_4482del on transcript NM_000435.3 (MANE Select); coding-DNA positions 4476 to 4482, 7 bases deleted (GTGCGGC; older notation c.4476_4482delGTGCGGC).
Protein change: p.Glu1492fs; shifts the reading frame from glutamic acid 1492.
Molecular consequence: frameshift variant.
Genome position (GRCh38, 1-based): chr19:15,174,322-15,174,328, GCCGCAC deleted on the plus strand (GTGCGGC on the coding strand, the reverse complement: NOTCH3 is on the minus strand). VCF-style (leftmost placement, unchanged base first): chr19-15174321-AGCCGCAC-A. GRCh37 (hg19) VCF-style: chr19-15285132-AGCCGCAC-A.
Other names: short protein forms E1492fs.
Identifiers: ClinVar variation 4682155 (VCV004682155.1).

ClinVar aggregate classification (germline): Uncertain significance (1 of 4 stars; one submission).

Submission:

Athena Diagnostics
Classification: Uncertain significance. Last evaluated: 2025-08-12. Review status: criteria provided, single submitter. Criteria: Athena Diagnostics Criteria. Collection method: clinical testing. Allele origin: unknown.
Comment: Available data are insufficient to determine the clinical significance of the variant at this time. The frequency of this variant in the general population is higher than would generally be expected for pathogenic variants in this gene. This variant is predicted to result in a premature termination codon and the loss of a functional protein. However, research supports that pathogenic variants causing CADASIL do so by a toxic gain of function mechanism and the clinical relevance of loss of function (LOF) variants in this gene is under debate in the literature (PMID: 24000151, 25260852, 25870235).